The following is an entry in ClinVar:

NM_004463.3(FGD1):c.762_763dup (p.Gln255fs)

Gene: FGD1 (FYVE, RhoGEF and PH domain containing 1; minus strand). Cytogenetic location: Xp11.22.
Variant type: Duplication.
Coding change: c.762_763dup on transcript NM_004463.3 (MANE Select); coding-DNA positions 762 to 763, 2 bases duplicated (CC; older notation c.762_763dupCC).
Protein change: p.Gln255fs; shifts the reading frame from glutamine 255.
Molecular consequence: frameshift variant.
Genome position (GRCh38, 1-based): chrX:54,470,354-54,470,355, GG duplicated on the plus strand (CC on the coding strand, the reverse complement: FGD1 is on the minus strand); duplicating any 2 consecutive bases within chrX:54,470,354-54,470,357 gives the same sequence; the c. name uses the placement nearest the transcript's 3' end. VCF-style (leftmost placement, unchanged base first): chrX-54470353-T-TGG. GRCh37 (hg19) VCF-style: chrX-54496786-T-TGG.
Other names: short protein forms Q255fs.
Identifiers: ClinVar variation 4849725 (VCV004849725.1).

ClinVar aggregate classification (germline): Likely pathogenic (1 of 4 stars; one submission).

Conditions:
Aarskog syndrome (AAS). Also called: Aarskog Scott syndrome; Aarskog disease; FGD1-Related Faciogenital Dysplasia (Aarskog-Scott Syndrome); Aarskog-Scott syndrome, X-linked; FGDY. Identifiers: Orphanet 915, MedGen C0175701, MONDO:0010589, OMIM 305400.

Submission:

Diagnostics Services (NGS), CSIR - Centre For Cellular And Molecular Biology
Classification: Likely pathogenic for Aarskog syndrome. Last evaluated: 2026-04-10. Review status: criteria provided, single submitter. Criteria: ACMG Guidelines, 2015. Collection method: clinical testing. Allele origin: germline. Affected: yes. Observed: 1 variant allele, 1 hemizygote.
Comment: The c.762_763dup variant is not present in publicly available population databases like 1000 Genomes, EVS, gnomAD, Indian Exome Database or our internal database. This variant has not been published in the literature for FGD1-related conditions nor reported to the clinical databases like Human Genome Mutation Database (HGMD), ClinVar or OMIM, in any affected individuals. In-silico pathogenicity prediction programs like MutationTaster2021, CADD, Franklin, Varsome etc., predicted this variant to be likely deleterious. This variant causes frameshift at the 255th amino acid position of the wild-type transcript which creates a premature translational stop signal at the altered transcript that may either result in translation of a truncated protein or cause nonsense mediated decay of the mRNA.